The following is an entry in ClinVar:

ClinVar aggregate classification (germline): Conflicting classifications of pathogenicity. Review status: criteria provided, conflicting classifications (1 of 4 stars). 4 submissions from 4 submitters: Uncertain significance (1); Benign (1); Likely benign (1). 1 of the submissions does not count toward it. Last evaluated 2025-12-16.

Conditions:
Inborn genetic diseases. Identifiers: MedGen C0950123, MeSH D030342.
KAT6A-related disorder. Also called: KAT6A-related condition.

Allele frequency attached by ClinVar (database versions not stated): TOPMed 0.00003; ExAC 0.00005; gnomAD 0.00006; ESP Exome Variant Server 0.00008.
gnomAD v4.1: 52 of 1,613,896 alleles (0.0032%); highest among the groups gnomAD compares: African/African-American, 0.008%; no homozygotes.

Submissions (4):

Labcorp Genetics (formerly Invitae), Labcorp
Classification: Likely benign. Last evaluated: 2025-12-16. Review status: criteria provided, single submitter. Criteria: Invitae Variant Classification Sherloc (09022015). Collection method: clinical testing. Allele origin: germline.

CeGaT Center for Human Genetics Tuebingen
Classification: Uncertain significance. Last evaluated: 2023-01-01. Review status: criteria provided, single submitter. Criteria: CeGaT Center For Human Genetics Tuebingen Variant Classification Criteria Version 2. Collection method: clinical testing. Allele origin: germline. Affected: yes. Observed: 1 variant allele.

Ambry Genetics
Classification: Benign for Inborn genetic diseases. Last evaluated: 2019-09-23. Review status: criteria provided, single submitter. Criteria: Ambry Variant Classification Scheme 2023. Collection method: clinical testing. Allele origin: germline.

PreventionGenetics, part of Exact Sciences
Classification: Likely benign for KAT6A-related condition. Last evaluated: 2023-03-07. Review status: no assertion criteria provided. Collection method: clinical testing. Allele origin: germline. Not counted in ClinVar's aggregate classification.
Comment: This variant is classified as likely benign based on ACMG/AMP sequence variant interpretation guidelines (Richards et al. 2015 PMID: 25741868, with internal and published modifications).

NM_006766.5(KAT6A):c.5600C>T (p.Ala1867Val)

Gene: KAT6A (lysine acetyltransferase 6A; minus strand). Cytogenetic location: 8p11.21.
Variant type: single nucleotide variant.
Coding change: c.5600C>T on transcript NM_006766.5 (MANE Select); coding-DNA position 5600, C replaced by T.
Protein change: p.Ala1867Val; replaces alanine 1867 with valine.
Molecular consequence: missense variant.
Genome position (GRCh38, 1-based): chr8:41,932,620, G>A on the plus strand (C>T on the coding strand, the complement: KAT6A is on the minus strand). VCF-style: chr8-41932620-G-A. GRCh37 (hg19) VCF-style: chr8-41790138-G-A.
Other names: c.5600C>T (NM_006766.4); short protein forms A1867V.
Identifiers: ClinVar variation 1748576 (VCV001748576.32), dbSNP rs145754397, ClinGen allele CA4729279.